The following is an entry in ClinVar:

NM_001267550.2(TTN):c.50389C>T (p.Arg16797Cys)

Genes: TTN (titin; minus strand), TTN-AS1 (TTN antisense RNA 1; plus strand). Cytogenetic location: 2q31.2.
Variant type: single nucleotide variant.
Coding change: c.50389C>T on transcript NM_001267550.2 (MANE Select); coding-DNA position 50389, C replaced by T.
Protein change: p.Arg16797Cys; replaces arginine 16797 with cysteine.
Molecular consequence: missense variant.
Genome position (GRCh38, 1-based): chr2:178,611,920, G>A on the plus strand (C>T on the coding strand, the complement: TTN is on the minus strand). VCF-style: chr2-178611920-G-A. GRCh37 (hg19) VCF-style: chr2-179476647-G-A.
Other names: c.45466C>T, p.Arg15156Cys (NM_001256850.1); c.23194C>T, p.Arg7732Cys (NM_003319.4); c.42685C>T, p.Arg14229Cys (NM_133378.4); c.23569C>T, p.Arg7857Cys (NM_133432.3); c.23770C>T, p.Arg7924Cys (NM_133437.4); short protein forms R7924C, R7732C, R7857C, R14229C, R15156C, R16797C.
Identifiers: ClinVar variation 1789520 (VCV001789520.2), dbSNP rs1015961035, ClinGen allele CA60986210.
Genomic context (GRCh38, chr2:178,611,920, plus strand): 5'-TGACATCAGTTACTCTGAAGTTACAGTCAGGTCCTGCAGTCTTTCCAGCTTTCACCCAAC[G>A]GGTACCTAACCTTTCTTTCTTCTCAATGACATATCTATTGAAACAACAAAGCATTTCATT-3'
Protein context (NP_001254479.2, residues 16787-16807): VIEKKERLGT[Arg16797Cys]WVKAGKTAGP

ClinVar aggregate classification (germline): Uncertain significance (1 of 4 stars; one submission).

Conditions:
Cardiovascular phenotype. Identifiers: MedGen CN230736.

Allele frequency attached by ClinVar (database versions not stated): gnomAD exomes 0.00001; TOPMed 0.00001.
gnomAD v4.1: 9 of 1,612,432 alleles (0.00056%); highest among the groups gnomAD compares: African/African-American, 0.0013%; no homozygotes.

Submission:

Ambry Genetics
Classification: Uncertain significance for Cardiovascular phenotype. Last evaluated: 2020-09-04. Review status: criteria provided, single submitter. Criteria: Ambry Variant Classification Scheme 2023. Collection method: clinical testing. Allele origin: germline.
Comment: The p.R7732C variant (also known as c.23194C>T), located in coding exon 95 of the TTN gene, results from a C to T substitution at nucleotide position 23194. The arginine at codon 7732 is replaced by cysteine, an amino acid with highly dissimilar properties. This amino acid position is highly conserved in available vertebrate species. In addition, the in silico prediction for this alteration is inconclusive. Since supporting evidence is limited at this time, the clinical significance of this alteration remains unclear.